The following is an entry in ClinVar:

ClinVar aggregate classification (germline): Likely benign (1 of 4 stars; one submission).

Submission:

CeGaT Center for Human Genetics Tuebingen
Classification: Likely benign. Last evaluated: 2023-06-01. Review status: criteria provided, single submitter. Criteria: CeGaT Center For Human Genetics Tuebingen Variant Classification Criteria Version 2. Collection method: clinical testing. Allele origin: germline. Affected: yes. Observed: 8 variant alleles.
Comment: SPART: BS2

NM_015087.5(SPART):c.*980_*982dup

Gene: SPART (spartin; minus strand). Cytogenetic location: 13q13.3.
Variant type: Duplication.
Coding change: c.*980_*982dup on transcript NM_015087.5 (MANE Select); 980 bases downstream of the stop codon through 982 bases downstream of the stop codon, 3 bases duplicated (TAT; older notation c.*980_*982dupTAT).
Molecular consequence: 3 prime UTR variant.
Genome position (GRCh38, 1-based): chr13:36,303,383-36,303,385, ATA duplicated on the plus strand (TAT on the coding strand, the reverse complement: SPART is on the minus strand); duplicating any 3 consecutive bases within chr13:36,303,383-36,303,387 gives the same sequence; the c. name uses the placement nearest the transcript's 3' end. VCF-style (leftmost placement, unchanged base first): chr13-36303382-C-CATA. GRCh37 (hg19) VCF-style: chr13-36877519-C-CATA.
Other names: c.*980_*982dup (NM_001142294.2, NM_001142295.2, NM_001142296.2).
Identifiers: ClinVar variation 2498581 (VCV002498581.28), dbSNP rs200142976, ClinGen allele CA248153490.